The following is an entry in ClinVar:

ClinVar aggregate classification (germline): Pathogenic/Likely pathogenic. Review status: criteria provided, multiple submitters, no conflicts (2 of 4 stars). 2 submissions from 2 submitters: Pathogenic (1); Likely pathogenic (1). Last evaluated 2025-03-25.

Conditions:
Bethlem myopathy 1A. Also called: MYOPATHY, BENIGN CONGENITAL, WITH CONTRACTURES; Bethlem myopathy 1; Bethlem Muscular Dystrophy. Identifiers: Orphanet 610, MedGen CN029274, MONDO:0024530, OMIM 158810.

gnomAD v4.1: 54 of 1,605,580 alleles (0.0034%); highest among the groups gnomAD compares: Non-Finnish European, 0.0045%; no homozygotes.

Submissions (2):

Revvity Omics, Revvity
Classification: Likely pathogenic. Last evaluated: 2025-03-25. Review status: criteria provided, single submitter. Criteria: ACMG Guidelines, 2015. Collection method: clinical testing. Allele origin: germline.

Labcorp Genetics (formerly Invitae), Labcorp
Classification: Pathogenic for Bethlem myopathy 1A. Last evaluated: 2024-07-10. Review status: criteria provided, single submitter. Criteria: Invitae Variant Classification Sherloc (09022015). Collection method: clinical testing. Allele origin: germline.
Comment: This sequence change creates a premature translational stop signal (p.Gln32*) in the COL6A1 gene. It is expected to result in an absent or disrupted protein product. Loss-of-function variants in COL6A1 are known to be pathogenic (PMID: 19884007, 20976770). This variant is not present in population databases (gnomAD no frequency). This premature translational stop signal has been observed in individual(s) with cleft palate (PMID: 37010288). For these reasons, this variant has been classified as Pathogenic.

Literature cited by the submitters: PubMed 19884007 (cited by Labcorp Genetics (formerly Invitae), Labcorp); PubMed 20976770 (cited by Labcorp Genetics (formerly Invitae), Labcorp); PubMed 37010288 (cited by Labcorp Genetics (formerly Invitae), Labcorp).

NM_001848.3(COL6A1):c.94C>T (p.Gln32Ter)

Gene: COL6A1 (collagen type VI alpha 1 chain; plus strand). Cytogenetic location: 21q22.3.
Variant type: single nucleotide variant.
Coding change: c.94C>T on transcript NM_001848.3 (MANE Select); coding-DNA position 94, C replaced by T.
Protein change: p.Gln32Ter; replaces glutamine 32 with a stop codon.
Molecular consequence: nonsense.
Genome position (GRCh38, 1-based): chr21:45,981,944, C>T. VCF-style: chr21-45981944-C-T. GRCh37 (hg19) VCF-style: chr21-47401858-C-T.
Other names: short protein forms Q32*.
Identifiers: ClinVar variation 3668444 (VCV003668444.3).
Genomic context (GRCh38, chr21:45,981,944, plus strand): 5'-CTGCAGGCCTGCTGGACAGCCGCGCAGGATGAGCCGGAGACCCCGAGGGCCGTGGCCTTC[C>T]AGGGTGAGTGGTGGCTTGGGGTGCAGGCTCCAGACCCCCCGCTCTTTGCTGCCGGCCAGG-3'